The following is an entry in ClinVar:

ClinVar aggregate classification (germline): Uncertain significance (1 of 4 stars; one submission).

Conditions:
Inborn genetic diseases. Identifiers: MedGen C0950123, MeSH D030342.

Allele frequency attached by ClinVar (database versions not stated): gnomAD exomes below 0.00001.
gnomAD v4.1: 8 of 1,614,144 alleles (0.0005%); highest among the groups gnomAD compares: Non-Finnish European, 0.00051%; no homozygotes.

Submission:

Ambry Genetics
Classification: Uncertain significance for Inborn genetic diseases. Last evaluated: 2019-10-15. Review status: criteria provided, single submitter. Criteria: Ambry Variant Classification Scheme 2023. Collection method: clinical testing. Allele origin: germline.
Comment: The p.P1275S variant (also known as c.3823C>T), located in coding exon 12 of the WNK1 gene, results from a C to T substitution at nucleotide position 3823. The proline at codon 1275 is replaced by serine, an amino acid with similar properties. This amino acid position is not well conserved in available vertebrate species. In addition, this alteration is predicted to be tolerated by in silico analysis. Since supporting evidence is limited at this time, the clinical significance of this alteration remains unclear.

NM_018979.4(WNK1):c.2329C>T (p.Pro777Ser)

Gene: WNK1 (WNK lysine deficient protein kinase 1; plus strand). Cytogenetic location: 12p13.33.
Variant type: single nucleotide variant.
Coding change: c.2329C>T on transcript NM_018979.4 (MANE Select); coding-DNA position 2329, C replaced by T.
Protein change: p.Pro777Ser; replaces proline 777 with serine.
Molecular consequence: missense variant.
Genome position (GRCh38, 1-based): chr12:878,317, C>T. VCF-style: chr12-878317-C-T. GRCh37 (hg19) VCF-style: chr12-987483-C-T.
Other names: c.3568C>T, p.Pro1190Ser (NM_001184985.2); c.2326C>T, p.Pro776Ser (NM_014823.3); c.3823C>T, p.Pro1275Ser (NM_213655.5); short protein forms P1190S, P1275S, P777S, P776S.
Identifiers: ClinVar variation 1735284 (VCV001735284.2), dbSNP rs2548919604, ClinGen allele CA383325779.
Genomic context (GRCh38, chr12:878,317, plus strand): 5'-TATTCACTTTCACAGACATCAACCTCCAGTGAGGCCACTACTGCACAGCCAGTGAGTCAG[C>T]CTCAAGCTCCACAAGTCTTGCCTCAAGTATCAGCTGGAAAACAGGTAAACTTTTTTTTTT-3'
Protein context (NP_061852.3, residues 767-787): EATTAQPVSQ[Pro777Ser]QAPQVLPQVS